The following is an entry in ClinVar:

ClinVar aggregate classification (germline): Uncertain significance (1 of 4 stars; one submission).

Submission:

Labcorp Genetics (formerly Invitae), Labcorp
Classification: Uncertain significance. Last evaluated: 2023-03-01. Review status: criteria provided, single submitter. Criteria: Invitae Variant Classification Sherloc (09022015). Collection method: clinical testing. Allele origin: germline.
Comment: This variant has not been reported in the literature in individuals affected with GZF1-related conditions. This sequence change replaces asparagine, which is neutral and polar, with lysine, which is basic and polar, at codon 16 of the GZF1 protein (p.Asn16Lys). This variant is not present in population databases (gnomAD no frequency). An algorithm developed to predict the effect of missense changes on protein structure and function (PolyPhen-2) suggests that this variant is likely to be disruptive. In summary, the available evidence is currently insufficient to determine the role of this variant in disease. Therefore, it has been classified as a Variant of Uncertain Significance.

NM_022482.5(GZF1):c.48C>A (p.Asn16Lys)

Gene: GZF1 (GDNF inducible zinc finger protein 1; plus strand). Cytogenetic location: 20p11.21.
Variant type: single nucleotide variant.
Coding change: c.48C>A on transcript NM_022482.5 (MANE Select); coding-DNA position 48, C replaced by A.
Protein change: p.Asn16Lys; replaces asparagine 16 with lysine.
Molecular consequence: missense variant.
Genome position (GRCh38, 1-based): chr20:23,364,431, C>A. VCF-style: chr20-23364431-C-A. GRCh37 (hg19) VCF-style: chr20-23345068-C-A.
Other names: c.48C>A, p.Asn16Lys (NM_001317012.2, NM_001317019.1); short protein forms N16K.
Identifiers: ClinVar variation 2841880 (VCV002841880.3), dbSNP rs778103641, ClinGen allele CA408408585.
Genomic context (GRCh38, chr20:23,364,431, plus strand): 5'-GGAAGGAAGAAAGATGGAAAGCGGTGCAGTTCTGCTGGAATCCAAATCCTCCCCATTTAA[C>A]CTACTGCATGAGATGCATGAGCTTCGCCTCCTGGGTCACCTGTGTGACGTGACAGTCAGC-3'
Protein context (NP_071927.1, residues 6-26): VLLESKSSPF[Asn16Lys]LLHEMHELRL